The following is an entry in ClinVar:

NM_001394062.1(MACF1):c.20899G>T (p.Ala6967Ser)

Gene: MACF1 (microtubule actin crosslinking factor 1; plus strand). Cytogenetic location: 1p34.3.
Variant type: single nucleotide variant.
Coding change: c.20899G>T on transcript NM_001394062.1 (MANE Select); coding-DNA position 20899, G replaced by T.
Protein change: p.Ala6967Ser; replaces alanine 6967 with serine.
Molecular consequence: missense variant.
Genome position (GRCh38, 1-based): chr1:39,454,921, G>T. VCF-style: chr1-39454921-G-T. GRCh37 (hg19) VCF-style: chr1-39920593-G-T.
Other names: c.8977G>T, p.Ala2993Ser (NM_001397473.1); c.14722G>T, p.Ala4908Ser (NM_012090.5); short protein forms A2993S, A4908S, A6967S.
Identifiers: ClinVar variation 4801142 (VCV004801142.1).

ClinVar aggregate classification (germline): Uncertain significance (1 of 4 stars; one submission).

Submission:

Labcorp Genetics (formerly Invitae), Labcorp
Classification: Uncertain significance. Last evaluated: 2026-01-07. Review status: criteria provided, single submitter. Criteria: Invitae Variant Classification Sherloc (09022015). Collection method: clinical testing. Allele origin: germline.
Comment: This sequence change replaces alanine, which is neutral and non-polar, with serine, which is neutral and polar, at codon 4908 of the MACF1 protein (p.Ala4908Ser). This variant is not present in population databases (gnomAD no frequency). This variant has not been reported in the literature in individuals affected with MACF1-related conditions. An algorithm developed to predict the effect of missense changes on protein structure and function (PolyPhen-2) suggests that this variant is likely to be disruptive. In summary, the available evidence is currently insufficient to determine the role of this variant in disease. Therefore, it has been classified as a Variant of Uncertain Significance.